The following is an entry in ClinVar:

ClinVar aggregate classification (germline): Uncertain significance. Review status: criteria provided, multiple submitters, no conflicts (2 of 4 stars). 2 submissions from 2 submitters: Uncertain significance (2). Last evaluated 2024-12-04.

Conditions:
Malignant hyperthermia, susceptibility to, 5 (MHS5). Also called: CACNA1S-Related Malignant Hyperthermia Susceptibility. Identifiers: Orphanet 423, MedGen C1866077, MONDO:0011163, OMIM 601887.

Submissions (2):

GeneDx
Classification: Uncertain significance. Last evaluated: 2024-12-04. Review status: criteria provided, single submitter. Criteria: GeneDx Variant Classification Process June 2021. Collection method: clinical testing. Allele origin: germline. Affected: yes.
Comment: In-frame deletion of 1 amino acid(s) in a non-repeat region; In silico analysis supports a deleterious effect on protein structure/function; Has not been previously published as pathogenic or benign to our knowledge

All of Us Research Program, National Institutes of Health
Classification: Uncertain significance for Malignant hyperthermia, susceptibility to, 5. Last evaluated: 2024-05-14. Review status: criteria provided, single submitter. Criteria: ACMG Guidelines, 2015. Collection method: clinical testing. Allele origin: germline. Inheritance: Autosomal dominant inheritance. Observed: 1 variant allele, 1 heterozygote.
Comment: This variant causes an in-frame deletion of one amino acid, glutamic acid at codon 1542, in the CACNA1S protein. To our knowledge, functional studies have not been reported for this variant. This variant has not been reported in individuals affected with CACNA1S-related disorders in the literature. This variant has been identified in 2/282838 chromosomes in the general population by the Genome Aggregation Database (gnomAD). The available evidence is insufficient to determine the role of this variant in disease conclusively. Therefore, this variant is classified as a Variant of Uncertain Significance.

This study involves interpretation of variants in research participants for the purpose of population health screening. Participant phenotype was not available at the time of variant classification. Additional details can be found in publication PMID: 35346344, PMCID: PMC8962531

NM_000069.3(CACNA1S):c.4621GAG[1] (p.Glu1542del)

Gene: CACNA1S (calcium voltage-gated channel subunit alpha1 S; minus strand). Cytogenetic location: 1q32.1.
Variant type: Microsatellite.
Coding change: c.4621GAG[1] on transcript NM_000069.3 (MANE Select); one copy of the 3-base unit GAG starting at c.4621; the reference has two copies in a row; one copy, 3 bases deleted; also written c.4624_4626del.
Protein change: p.Glu1542del; deletes glutamic acid 1542.
Genome position (GRCh38, 1-based): chr1:201,047,157-201,047,159, CTC deleted on the plus strand (GAG on the coding strand, the reverse complement: CACNA1S is on the minus strand); deleting any 3 consecutive bases within chr1:201,047,157-201,047,162 gives the same sequence; the position shown is the placement nearest the transcript's 3' end. VCF-style (leftmost placement, unchanged base first): chr1-201047156-ACTC-A. GRCh37 (hg19) VCF-style: chr1-201016284-ACTC-A.
Other names: c.4624_4626del (NM_000069.2); short protein forms E1542del.
Identifiers: ClinVar variation 3386296 (VCV003386296.2).